The following is an entry in ClinVar:

ClinVar aggregate classification (germline): Uncertain significance. Review status: criteria provided, multiple submitters, no conflicts (2 of 4 stars). 2 submissions from 2 submitters: Uncertain significance (2). Last evaluated 2022-11-13.

Conditions:
Epileptic encephalopathy. Identifiers: MedGen C0543888, HP:0200134.

Allele frequency attached by ClinVar (database versions not stated): TOPMed 0.00010.
gnomAD v4.1: 205 of 1,540,640 alleles (0.013%); highest among the groups gnomAD compares: Non-Finnish European, 0.017%; no homozygotes.

Submissions (2):

Labcorp Genetics (formerly Invitae), Labcorp
Classification: Uncertain significance for Epileptic encephalopathy. Last evaluated: 2022-11-13. Review status: criteria provided, single submitter. Criteria: Invitae Variant Classification Sherloc (09022015). Collection method: clinical testing. Allele origin: germline.
Comment: This sequence change replaces valine, which is neutral and non-polar, with leucine, which is neutral and non-polar, at codon 1699 of the FASN protein (p.Val1699Leu). This variant is present in population databases (rs763579516, gnomAD 0.01%). This variant has not been reported in the literature in individuals affected with FASN-related conditions. ClinVar contains an entry for this variant (Variation ID: 640339). Algorithms developed to predict the effect of missense changes on protein structure and function are either unavailable or do not agree on the potential impact of this missense change (SIFT: "Deleterious"; PolyPhen-2: "Probably Damaging"; Align-GVGD: "Class C0"). Algorithms developed to predict the effect of sequence changes on RNA splicing suggest that this variant may disrupt the consensus splice site. In summary, the available evidence is currently insufficient to determine the role of this variant in disease. Therefore, it has been classified as a Variant of Uncertain Significance.

Ambry Genetics
Classification: Uncertain significance. Last evaluated: 2022-04-25. Review status: criteria provided, single submitter. Criteria: Ambry Variant Classification Scheme 2023. Collection method: clinical testing. Allele origin: germline.

NM_004104.5(FASN):c.5095G>C (p.Val1699Leu)

Gene: FASN (fatty acid synthase; minus strand). Cytogenetic location: 17q25.3.
Variant type: single nucleotide variant.
Coding change: c.5095G>C on transcript NM_004104.5 (MANE Select); coding-DNA position 5095, G replaced by C.
Protein change: p.Val1699Leu; replaces valine 1699 with leucine.
Molecular consequence: missense variant.
Genome position (GRCh38, 1-based): chr17:82,083,978, C>G on the plus strand (G>C on the coding strand, the complement: FASN is on the minus strand). VCF-style: chr17-82083978-C-G. GRCh37 (hg19) VCF-style: chr17-80041854-C-G.
Other names: short protein forms V1699L.
Identifiers: ClinVar variation 640339 (VCV000640339.7), dbSNP rs763579516, ClinGen allele CA8851836.